The following is an entry in ClinVar:

ClinVar aggregate classification (germline): Benign/Likely benign. Review status: criteria provided, multiple submitters, no conflicts (2 of 4 stars). 4 submissions from 4 submitters: Benign (1); Likely benign (3). Last evaluated 2026-01-25.

Conditions:
ADGRV1-related disorder. Also called: ADGRV1-related disorders; ADGRV1-related condition.

Allele frequency attached by ClinVar (database versions not stated): TOPMed 0.00003; gnomAD 0.00007; gnomAD exomes 0.00015 and 0.00031; ExAC 0.00034; 1000 Genomes Project 30x 0.00094; 1000 Genomes Project 0.00120.
gnomAD v4.1: 234 of 1,612,958 alleles (0.015%); highest among the groups gnomAD compares: South Asian, 0.23%; 3 homozygotes.

Submissions (4):

Labcorp Genetics (formerly Invitae), Labcorp
Classification: Benign. Last evaluated: 2026-01-25. Review status: criteria provided, single submitter. Criteria: Invitae Variant Classification Sherloc (09022015). Collection method: clinical testing. Allele origin: germline.

PreventionGenetics, part of Exact Sciences
Classification: Likely benign for ADGRV1-related condition. Last evaluated: 2025-12-21. Review status: criteria provided, single submitter. Criteria: ACMG Guidelines, 2015. Collection method: clinical testing. Allele origin: germline.
Comment: This variant is classified as likely benign based on ACMG/AMP sequence variant interpretation guidelines (Richards et al. 2015 PMID: 25741868, with internal and published modifications).

Blueprint Genetics
Classification: Likely benign. Last evaluated: 2024-08-27. Review status: criteria provided, single submitter. Criteria: ACMG Guidelines, 2015. Collection method: clinical testing. Allele origin: germline.

GeneDx
Classification: Likely benign. Last evaluated: 2021-06-08. Review status: criteria provided, single submitter. Criteria: GeneDx Variant Classification Process June 2021. Collection method: clinical testing. Allele origin: germline. Affected: yes.

NM_032119.4(ADGRV1):c.2247C>T (p.Asn749=)

Gene: ADGRV1 (adhesion G protein-coupled receptor V1; plus strand). Cytogenetic location: 5q14.3.
Variant type: single nucleotide variant.
Coding change: c.2247C>T on transcript NM_032119.4 (MANE Select); coding-DNA position 2247, C replaced by T.
Protein change: p.Asn749=; no amino-acid change (asparagine 749 retained).
Molecular consequence: synonymous variant. On other transcripts: non-coding transcript variant (1).
Genome position (GRCh38, 1-based): chr5:90,642,642, C>T. VCF-style: chr5-90642642-C-T. GRCh37 (hg19) VCF-style: chr5-89938459-C-T.
Identifiers: ClinVar variation 1166282 (VCV001166282.13), dbSNP rs558647907, ClinGen allele CA3338874.